The following is an entry in ClinVar:

ClinVar aggregate classification (germline): Uncertain significance (1 of 4 stars; one submission).

gnomAD v4.1: 1 of 1,599,102 alleles (0.000063%); no homozygotes.

Submission:

Labcorp Genetics (formerly Invitae), Labcorp
Classification: Uncertain significance. Last evaluated: 2023-11-06. Review status: criteria provided, single submitter. Criteria: Invitae Variant Classification Sherloc (09022015). Collection method: clinical testing. Allele origin: germline.
Comment: This sequence change replaces asparagine, which is neutral and polar, with histidine, which is basic and polar, at codon 162 of the ANK3 protein (p.Asn162His). This variant is present in population databases (no rsID available, gnomAD 0.0009%). This variant has not been reported in the literature in individuals affected with ANK3-related conditions. Advanced modeling of protein sequence and biophysical properties (such as structural, functional, and spatial information, amino acid conservation, physicochemical variation, residue mobility, and thermodynamic stability) performed at Invitae indicates that this missense variant is not expected to disrupt ANK3 protein function with a negative predictive value of 80%. In summary, the available evidence is currently insufficient to determine the role of this variant in disease. Therefore, it has been classified as a Variant of Uncertain Significance.

NM_020987.5(ANK3):c.484A>C (p.Asn162His)

Gene: ANK3 (ankyrin 3; minus strand). Cytogenetic location: 10q21.2.
Variant type: single nucleotide variant.
Coding change: c.484A>C on transcript NM_020987.5 (MANE Select); coding-DNA position 484, A replaced by C.
Protein change: p.Asn162His; replaces asparagine 162 with histidine.
Molecular consequence: missense variant.
Genome position (GRCh38, 1-based): chr10:60,270,160, T>G on the plus strand (A>C on the coding strand, the complement: ANK3 is on the minus strand). VCF-style: chr10-60270160-T-G. GRCh37 (hg19) VCF-style: chr10-62029918-T-G.
Other names: c.466A>C, p.Asn156His (NM_001204403.2); c.433A>C, p.Asn145His (NM_001204404.2); c.484A>C, p.Asn162His (NM_001320874.2); short protein forms N156H, N162H, N145H.
Identifiers: ClinVar variation 2782398 (VCV002782398.3), dbSNP rs1223157870, ClinGen allele CA376993537.